The following is an entry in ClinVar:

NM_001276270.2(MBD4):c.502C>T (p.Gln168Ter)

Gene: MBD4 (methyl-CpG binding domain 4, DNA glycosylase; minus strand). Cytogenetic location: 3q21.3.
Variant type: single nucleotide variant.
Coding change: c.502C>T on transcript NM_001276270.2 (MANE Select); coding-DNA position 502, C replaced by T.
Protein change: p.Gln168Ter; replaces glutamine 168 with a stop codon.
Molecular consequence: nonsense. On other transcripts: intron variant (1).
Genome position (GRCh38, 1-based): chr3:129,437,142, G>A on the plus strand (C>T on the coding strand, the complement: MBD4 is on the minus strand). VCF-style: chr3-129437142-G-A. GRCh37 (hg19) VCF-style: chr3-129155985-G-A.
Other names: c.502C>T, p.Gln168Ter (NM_001276271.2, NM_001276272.2, NM_003925.3); c.247+666C>T (NM_001276273.2); short protein forms Q168*.
Identifiers: ClinVar variation 4856728 (VCV004856728.1).
Genomic context (GRCh38, chr3:129,437,142, plus strand): 5'-CATCCTTTTTGCACTTGCTTCGGGTCCTGAGGTTCCAGTTTGAATTGTTACTTTGGTTTT[G>A]TAGATGGGATGTCAGGGCTGCCATGCTGCAGTCTTTATATCTTGACTTGATACCCCTTTT-3'

ClinVar aggregate classification (germline): Pathogenic (1 of 4 stars; one submission).

Conditions:
Tumor predisposition syndrome 2 (TPDS2). Also called: MBD4-ASSOCIATED NEOPLASIA SYNDROME; MBD4-Related Tumor Predisposition Syndrome; MBD4-associated neoplasia syndrome (MANS). Identifiers: Orphanet 661526, MedGen C5774186, MONDO:0859267, OMIM 619975.

Submission:

Myriad Genetics, Inc.
Classification: Pathogenic for Tumor predisposition syndrome 2. Last evaluated: 2026-01-29. Review status: criteria provided, single submitter. Criteria: Myriad Autosomal Dominant, Autosomal Recessive and X-Linked Classification Criteria (2023). Collection method: clinical testing. Allele origin: unknown.
Comment: This variant is considered pathogenic. This variant creates a termination codon and is predicted to result in premature protein truncation.